The following is an entry in ClinVar:

NM_032242.4(PLXNA1):c.115C>T (p.Pro39Ser)

Gene: PLXNA1 (plexin A1; plus strand). Cytogenetic location: 3q21.3.
Variant type: single nucleotide variant.
Coding change: c.115C>T on transcript NM_032242.4 (MANE Select); coding-DNA position 115, C replaced by T.
Protein change: p.Pro39Ser; replaces proline 39 with serine.
Molecular consequence: missense variant.
Genome position (GRCh38, 1-based): chr3:126,988,708, C>T. VCF-style: chr3-126988708-C-T. GRCh37 (hg19) VCF-style: chr3-126707551-C-T.
Other names: short protein forms P39S.
Identifiers: ClinVar variation 2636202 (VCV002636202.1), dbSNP rs140411089, ClinGen allele CA2592905.

ClinVar aggregate classification (germline): Uncertain significance (1 of 4 stars; one submission).

Conditions:
PLXNA1-related disorder. Also called: PLXNA1-related condition.

Allele frequency attached by ClinVar (database versions not stated): ESP Exome Variant Server 0.00008.

Submission:

PreventionGenetics, part of Exact Sciences
Classification: Uncertain significance for PLXNA1-related condition. Last evaluated: 2022-11-03. Review status: criteria provided, single submitter. Criteria: ACMG Guidelines, 2015. Collection method: clinical testing. Allele origin: germline.
Comment: The PLXNA1 c.115C>T variant is predicted to result in the amino acid substitution p.Pro39Ser. To our knowledge, this variant has not been reported in the literature. This variant is reported in 0.0089% of alleles in individuals of South Asian descent in gnomAD. At this time, the clinical significance of this variant is uncertain due to the absence of conclusive functional and genetic evidence.